The following is an entry in ClinVar:

NM_020778.5(ALPK3):c.1550_1553dup (p.Gln519fs)

Genes: ALPK3 (alpha kinase 3; plus strand), LOC111718493 (skeletal muscle cis-regulatory module overlapping ALPK3; plus strand). Cytogenetic location: 15q25.3.
Variant type: Duplication.
Coding change: c.1550_1553dup on transcript NM_020778.5 (MANE Select); coding-DNA positions 1550 to 1553, 4 bases duplicated (CACC; older notation c.1550_1553dupCACC).
Protein change: p.Gln519fs; shifts the reading frame from glutamine 519.
Molecular consequence: frameshift variant.
Genome position (GRCh38, 1-based): chr15:84,840,829-84,840,832, CACC duplicated; duplicating any 4 consecutive bases within chr15:84,840,827-84,840,832 gives the same sequence; the c. name uses the placement nearest the transcript's 3' end. VCF-style (leftmost placement, unchanged base first): chr15-84840826-C-CCCCA. GRCh37 (hg19) VCF-style: chr15-85384057-C-CCCCA.
Other names: short protein forms Q519fs.
Identifiers: ClinVar variation 2770126 (VCV002770126.3), dbSNP rs2505706890, ClinGen allele CA2630109282.
Genomic context (GRCh38, chr15:84,840,826, plus strand): 5'-GCAAGCCCATTTCTTCTCTGAGTCAAGCTCCAGAATGCGGGGCCCAGAGCTTAGGAAAGG[C>CCCCA]CCCACCTCAGGCCTCTGTGCAGGTGCCGACGCCCCCTGCCCGGCGGAGACATGGCACCCG-3'

ClinVar aggregate classification (germline): Pathogenic (1 of 4 stars; one submission).

Submission:

Labcorp Genetics (formerly Invitae), Labcorp
Classification: Pathogenic. Last evaluated: 2023-06-05. Review status: criteria provided, single submitter. Criteria: Invitae Variant Classification Sherloc (09022015). Collection method: clinical testing. Allele origin: germline.
Comment: For these reasons, this variant has been classified as Pathogenic. This variant has not been reported in the literature in individuals affected with ALPK3-related conditions. This variant is not present in population databases (gnomAD no frequency). This sequence change creates a premature translational stop signal (p.Gln721Thrfs*53) in the ALPK3 gene. It is expected to result in an absent or disrupted protein product. Loss-of-function variants in ALPK3 are known to be pathogenic (PMID: 21441111, 26846950, 27106955, 34263907).

Literature cited by the submitters: PubMed 21441111; PubMed 26846950; PubMed 27106955; PubMed 34263907.